The following is an entry in ClinVar:

NM_003072.5(SMARCA4):c.3809G>T (p.Ser1270Ile)

Gene: SMARCA4 (SWI/SNF related BAF chromatin remodeling complex subunit ATPase 4; plus strand). Cytogenetic location: 19p13.2.
Variant type: single nucleotide variant.
Coding change: c.3809G>T on transcript NM_003072.5 (MANE Select); coding-DNA position 3809, G replaced by T.
Protein change: p.Ser1270Ile; replaces serine 1270 with isoleucine.
Molecular consequence: missense variant. On other transcripts: intron variant (6).
Genome position (GRCh38, 1-based): chr19:11,033,801, G>T. VCF-style: chr19-11033801-G-T. GRCh37 (hg19) VCF-style: chr19-11144477-G-T.
Other names: c.3809G>T, p.Ser1270Ile (NM_001128844.3, NM_001128849.3, NM_001387283.1); c.3774+284G>T (NM_001128847.4, NM_001411150.1, NM_001374457.1 and 3 more transcripts); short protein forms S1270I.
Identifiers: ClinVar variation 3320703 (VCV003320703.1).
Genomic context (GRCh38, chr19:11,033,801, plus strand): 5'-GACTGAAGTCCTCTATTTATCCACAGAGCAGACACTGCAGCACGGGCAGCGGCAGTGCCA[G>T]CTTCGCCCACACTGCCCCTCCGCCAGCGGGCGTCAACCCCGACTTGGAGGAGCCACCTCT-3'
Protein context (NP_003063.2, residues 1260-1280): RHCSTGSGSA[Ser1270Ile]FAHTAPPPAG

ClinVar aggregate classification (germline): Uncertain significance (1 of 4 stars; one submission).

Conditions:
Hereditary cancer-predisposing syndrome. Also called: Neoplastic Syndromes, Hereditary; Tumor predisposition; Hereditary neoplastic syndrome; Hereditary Cancer Syndrome. Identifiers: Orphanet 140162, MedGen C0027672, MeSH D009386, MONDO:0015356.

Submission:

Ambry Genetics
Classification: Uncertain significance for Hereditary cancer-predisposing syndrome. Last evaluated: 2024-04-11. Review status: criteria provided, single submitter. Criteria: Ambry Variant Classification Scheme 2023. Collection method: clinical testing. Allele origin: germline.
Comment: The p.S1270I variant (also known as c.3809G>T), located in coding exon 26 of the SMARCA4 gene, results from a G to T substitution at nucleotide position 3809. The serine at codon 1270 is replaced by isoleucine, an amino acid with dissimilar properties. This amino acid position is highly conserved in available vertebrate species. In addition, the in silico prediction for this alteration is inconclusive. Based on the available evidence, the clinical significance of this variant remains unclear.